The following is an entry in ClinVar:

ClinVar aggregate classification (germline): Benign (1 of 4 stars; one submission).

Allele frequency attached by ClinVar (database versions not stated): 1000 Genomes Project 0.38978; 1000 Genomes Project 30x 0.40350; gnomAD 0.43698 and 0.44451; TOPMed 0.44331.
gnomAD v4.1: 66,164 of 151,730 alleles (44%); highest among the groups gnomAD compares: African/African-American, 53%; 14,934 homozygotes.

Submission:

GeneDx
Classification: Benign. Last evaluated: 2018-06-14. Review status: criteria provided, single submitter. Criteria: GeneDx Variant Classification (06012015). Collection method: clinical testing. Allele origin: germline. Affected: yes.
Comment: This variant is considered likely benign or benign based on one or more of the following criteria: it is a conservative change, it occurs at a poorly conserved position in the protein, it is predicted to be benign by multiple in silico algorithms, and/or has population frequency not consistent with disease.

NM_005006.7(NDUFS1):c.1554-274C>T

Gene: NDUFS1 (NADH:ubiquinone oxidoreductase core subunit S1; minus strand). Cytogenetic location: 2q33.3.
Variant type: single nucleotide variant.
Coding change: c.1554-274C>T on transcript NM_005006.7 (MANE Select); 274 bases into the intron before coding-DNA position 1554, C replaced by T.
Molecular consequence: intron variant.
Genome position (GRCh38, 1-based): chr2:206,130,516, G>A on the plus strand (C>T on the coding strand, the complement: NDUFS1 is on the minus strand). VCF-style: chr2-206130516-G-A. GRCh37 (hg19) VCF-style: chr2-206995240-G-A.
Other names: c.1221-274C>T (NM_001199982.2); c.1383-274C>T (NM_001199983.2); c.1446-274C>T (NM_001199981.2); c.1596-274C>T (NM_001199984.2).
Identifiers: ClinVar variation 683046 (VCV000683046.1), dbSNP rs4147723, ClinGen allele CA15188534.